The following is an entry in ClinVar:

NM_001114753.3(ENG):c.1242G>A (p.Met414Ile)

Genes: ENG (endoglin; minus strand), LOC102723566 (uncharacterized LOC102723566; plus strand). Cytogenetic location: 9q34.11.
Variant type: single nucleotide variant.
Coding change: c.1242G>A on transcript NM_001114753.3 (MANE Select); coding-DNA position 1242, G replaced by A.
Protein change: p.Met414Ile; replaces methionine 414 with isoleucine.
Molecular consequence: missense variant.
Genome position (GRCh38, 1-based): chr9:127,819,930, C>T on the plus strand (G>A on the coding strand, the complement: ENG is on the minus strand). VCF-style: chr9-127819930-C-T. GRCh37 (hg19) VCF-style: chr9-130582209-C-T.
Other names: c.696G>A, p.Met232Ile (NM_001278138.2); c.1242G>A, p.Met414Ile (NM_000118.4); short protein forms M232I, M414I.
Identifiers: ClinVar variation 4870478 (VCV004870478.1).
Genomic context (GRCh38, chr9:127,819,930, plus strand): 5'-TCCTGATACCTTTTTGGCCCCAGCTCTTACCTCATTGCTGATCATACTTGCTGACACCTG[C>T]ATGCCACAGCTGGAGTAAGCACTGCGCAAGACAAACTTGTCACCCCTGTCCTCTGCCTCA-3'
Protein context (NP_001108225.1, residues 404-424): VLRSAYSSCG[Met414Ile]QVSASMISNE

ClinVar aggregate classification (germline): Uncertain significance (1 of 4 stars; one submission).

Conditions:
Cardiovascular phenotype. Identifiers: MedGen CN230736.

Submission:

Ambry Genetics
Classification: Uncertain significance for Cardiovascular phenotype. Last evaluated: 2026-06-03. Review status: criteria provided, single submitter. Criteria: Ambry Variant Classification Scheme 2023. Collection method: clinical testing. Allele origin: germline.
Comment: The p.M414I variant (also known as c.1242G>A), located in coding exon 9 of the ENG gene, results from a G to A substitution at nucleotide position 1242. The methionine at codon 414 is replaced by isoleucine, an amino acid with highly similar properties. This amino acid position is well conserved in available vertebrate species. In addition, the in silico prediction for this alteration is inconclusive. Based on the available evidence, the clinical significance of this variant remains unclear.